The following is an entry in ClinVar:

ClinVar aggregate classification (germline): Uncertain significance. Review status: criteria provided, single submitter (1 of 4 stars). 2 submissions from 2 submitters: Uncertain significance (1). 1 of the submissions does not count toward it. Last evaluated 2022-06-20.

Conditions:
Cardiomyopathy (CMYO). Also called: Cardiomyopathies. Identifiers: Orphanet 167848, MedGen C0878544, MONDO:0004994, HP:0001638. Inheritance: Various modes of inheritance.
Dystrophin deficiency.
Duchenne muscular dystrophy (DMD). Also called: MUSCULAR DYSTROPHY, PSEUDOHYPERTROPHIC PROGRESSIVE, DUCHENNE TYPE; Duchenne Muscular Dystrophy (DMD). Identifiers: Orphanet 98896, MedGen C0013264, MONDO:0010679, OMIM 310200.
Becker muscular dystrophy (BMD). Also called: Becker Muscular Dystrophy (BMD); MUSCULAR DYSTROPHY, PSEUDOHYPERTROPHIC PROGRESSIVE, BECKER TYPE. Identifiers: Orphanet 98895, MedGen C0917713, MONDO:0010311, OMIM 300376.

Submissions (2):

Labcorp Genetics (formerly Invitae), Labcorp
Classification: Uncertain significance for Duchenne muscular dystrophy. Last evaluated: 2022-06-20. Review status: criteria provided, single submitter. Criteria: Invitae Variant Classification Sherloc (09022015). Collection method: clinical testing. Allele origin: germline.
Comment: This sequence change replaces serine, which is neutral and polar, with leucine, which is neutral and non-polar, at codon 2174 of the DMD protein (p.Ser2174Leu). This variant is not present in population databases (gnomAD no frequency). This variant has not been reported in the literature in individuals affected with DMD-related conditions. ClinVar contains an entry for this variant (Variation ID: 1044063). Algorithms developed to predict the effect of missense changes on protein structure and function (SIFT, PolyPhen-2, Align-GVGD) all suggest that this variant is likely to be disruptive. In summary, the available evidence is currently insufficient to determine the role of this variant in disease. Therefore, it has been classified as a Variant of Uncertain Significance.

Natera, Inc.
Classification: Uncertain significance for Becker muscular dystrophy; Cardiomyopathy; Duchenne muscular dystrophy; Dystrophin deficiency. Last evaluated: 2020-02-13. Review status: no assertion criteria provided. Collection method: clinical testing. Allele origin: germline. Not counted in ClinVar's aggregate classification.

NM_004006.3(DMD):c.6521C>T (p.Ser2174Leu)

Gene: DMD (dystrophin; minus strand). Cytogenetic location: Xp21.1.
Variant type: single nucleotide variant.
Coding change: c.6521C>T on transcript NM_004006.3 (MANE Select); coding-DNA position 6521, C replaced by T.
Protein change: p.Ser2174Leu; replaces serine 2174 with leucine.
Molecular consequence: missense variant. On other transcripts: 5 prime UTR variant (5).
Genome position (GRCh38, 1-based): chrX:31,968,432, G>A on the plus strand (C>T on the coding strand, the complement: DMD is on the minus strand). VCF-style: chrX-31968432-G-A. GRCh37 (hg19) VCF-style: chrX-31986549-G-A.
Other names: c.6497C>T, p.Ser2166Leu (NM_000109.4); c.6509C>T, p.Ser2170Leu (NM_004009.3); c.6152C>T, p.Ser2051Leu (NM_004010.3); c.2498C>T, p.Ser833Leu (NM_004011.4); c.2489C>T, p.Ser830Leu (NM_004012.4); c.-860C>T (NM_004013.3, NM_004020.4, NM_004021.3 and 2 more transcripts); short protein forms S2174L, S830L, S2051L, S2166L, S2170L, S833L.
Identifiers: ClinVar variation 1044063 (VCV001044063.7), dbSNP rs2095370109, ClinGen allele CA412659662.